The following is an entry in ClinVar:

ClinVar aggregate classification (germline): Pathogenic, low penetrance (1 of 4 stars; one submission).

Conditions:
Atypical hemolytic-uremic syndrome. Identifiers: Orphanet 2134, MedGen C2931788, MONDO:0016244.

gnomAD v4.1: 1 of 1,592,732 alleles (0.000063%); highest among the groups gnomAD compares: East Asian, 0.0022%; no homozygotes.

Submission:

Genomenon, Inc
Classification: Pathogenic, low penetrance for Atypical hemolytic-uremic syndrome. Last evaluated: 2025-09-26. Review status: criteria provided, single submitter. Criteria: Genomenon Sequence Variant Interpretation Standards - Updated. Collection method: curation. Allele origin: germline. Affected: yes.
Comment: CFI c.1149-2A>G is a canonical splice variant located in the acceptor splice region of intron 10. This variant has been observed in at least one proband affected with atypical hemolytic-uremic syndrome (PMID:28941939). It is absent or not present at a significant frequency in gnomAD. In conclusion, we classify CFI c.1149-2A>G as a pathogenic, low penetrance variant.

Literature cited by the submitters: PubMed 28941939.

NM_000204.5(CFI):c.1149-2A>G

Gene: CFI (complement factor I; minus strand). Cytogenetic location: 4q25.
Variant type: single nucleotide variant.
Coding change: c.1149-2A>G on transcript NM_000204.5 (MANE Select); the canonical splice acceptor site of the intron before coding-DNA position 1149, A replaced by G.
Molecular consequence: splice acceptor variant.
Genome position (GRCh38, 1-based): chr4:109,746,504, T>C on the plus strand (A>G on the coding strand, the complement: CFI is on the minus strand). VCF-style: chr4-109746504-T-C. GRCh37 (hg19) VCF-style: chr4-110667660-T-C.
Other names: c.1128-2A>G (NM_001375282.1, NM_001375280.1, NM_001331035.2 and 1 more transcripts); c.1149-2A>G (NM_001375281.1, NM_001375279.1, NM_001440989.1); c.1170-2A>G (NM_001440985.1, NM_001440986.1); c.1173-2A>G (NM_001440988.1, NM_001375278.1, NM_001318057.2); c.540-2A>G (NM_001375284.1); c.1092-2A>G (NM_001375283.1).
Identifiers: ClinVar variation 4280420 (VCV004280420.1).
Genomic context (GRCh38, chr4:109,746,504, plus strand): 5'-CGGGGTGTATCCAGTCTACTACTGTTGTCCATATTTGGTAACGATGAGTTTTACTGGCTC[T>C]ATAACAGAAAAAAAAAGGAAATAAAATATATTGAGAAAAAATATAAATAGGAATTCTGAC-3'